The following is an entry in ClinVar:

ClinVar aggregate classification (germline): Likely benign (1 of 4 stars; one submission).

Conditions:
Donnai-Barrow syndrome. Also called: DBS/FOAR SYNDROME; FACIOOCULOACOUSTICORENAL SYNDROME. Identifiers: Orphanet 2143, MedGen C1857277, MONDO:0009104, OMIM 222448.

Allele frequency attached by ClinVar (database versions not stated): gnomAD 0.00009 and 0.00015; TOPMed 0.00011; 1000 Genomes Project 30x 0.00156; 1000 Genomes Project 0.00160.

Submission:

Illumina Laboratory Services, Illumina
Classification: Likely benign for Donnai-Barrow syndrome. Last evaluated: 2018-01-12. Review status: criteria provided, single submitter. Criteria: ICSL Variant Classification Criteria 13 December 2019. Collection method: clinical testing. Allele origin: germline.
Comment: This variant was observed in the ICSL laboratory as part of a predisposition screen in an ostensibly healthy population. It had not been previously curated by ICSL or reported in the Human Gene Mutation Database (HGMD: prior to June 1st, 2018), and was therefore a candidate for classification through an automated scoring system. Utilizing variant allele frequency, disease prevalence and penetrance estimates, and inheritance mode, an automated score was calculated to assess if this variant is too frequent to cause the disease. Based on the score and internal cut-off values, a variant classified as likely benign is not then subjected to further curation. The score for this variant resulted in a classification of likely benign for this disease.

NM_004525.3(LRP2):c.*739C>G

Gene: LRP2 (LDL receptor related protein 2; minus strand). Cytogenetic location: 2q31.1.
Variant type: single nucleotide variant.
Coding change: c.*739C>G on transcript NM_004525.3 (MANE Select); 739 bases downstream of the stop codon, C replaced by G.
Molecular consequence: 3 prime UTR variant.
Genome position (GRCh38, 1-based): chr2:169,127,924, G>C on the plus strand (C>G on the coding strand, the complement: LRP2 is on the minus strand). VCF-style: chr2-169127924-G-C. GRCh37 (hg19) VCF-style: chr2-169984434-G-C.
Identifiers: ClinVar variation 332057 (VCV000332057.5), dbSNP rs193064620, ClinGen allele CA10611276.
Genomic context (GRCh38, chr2:169,127,924, plus strand): 5'-GAAATTGCTCCAGGGTCCATCAGCAGAAGAGCTCATTTAATTAACCACAAACTCAATGCA[G>C]GACACTGGCACTTAATGATATGGGATTTCCTCATAGACATCACAAATAAAAATGTTGTCT-3'